The following is an entry in ClinVar:

ClinVar aggregate classification (germline): Uncertain significance. Review status: criteria provided, multiple submitters, no conflicts (2 of 4 stars). 2 submissions from 2 submitters: Uncertain significance (2). Last evaluated 2024-12-16.

Conditions:
Catecholaminergic polymorphic ventricular tachycardia (CVPT). Also called: Catecholamine-induced polymorphic ventricular tachycardia. Identifiers: Orphanet 3286, MedGen C5574922, MONDO:0017990.
Catecholaminergic polymorphic ventricular tachycardia 1. Also called: VENTRICULAR TACHYCARDIA, CATECHOLAMINERGIC POLYMORPHIC, 1, WITH OR WITHOUT ATRIAL DYSFUNCTION AND/OR DILATED CARDIOMYOPATHY; VENTRICULAR TACHYCARDIA, STRESS-INDUCED POLYMORPHIC 1; RYR2-Related Catecholaminergic Polymorphic Ventricular Tachycardia. Identifiers: Orphanet 3286, MedGen C1631597, MONDO:0011484, OMIM 604772.

Submissions (2):

Labcorp Genetics (formerly Invitae), Labcorp
Classification: Uncertain significance for Catecholaminergic polymorphic ventricular tachycardia 1. Last evaluated: 2024-12-16. Review status: criteria provided, single submitter. Criteria: Invitae Variant Classification Sherloc (09022015). Collection method: clinical testing. Allele origin: germline.
Comment: This sequence change replaces glutamic acid, which is acidic and polar, with glycine, which is neutral and non-polar, at codon 1574 of the RYR2 protein (p.Glu1574Gly). This variant is not present in population databases (gnomAD no frequency). This variant has not been reported in the literature in individuals affected with RYR2-related conditions. Invitae Evidence Modeling of protein sequence and biophysical properties (such as structural, functional, and spatial information, amino acid conservation, physicochemical variation, residue mobility, and thermodynamic stability) indicates that this missense variant is not expected to disrupt RYR2 protein function with a negative predictive value of 95%. In summary, the available evidence is currently insufficient to determine the role of this variant in disease. Therefore, it has been classified as a Variant of Uncertain Significance.

All of Us Research Program, National Institutes of Health
Classification: Uncertain significance for Catecholaminergic polymorphic ventricular tachycardia. Last evaluated: 2024-09-23. Review status: criteria provided, single submitter. Criteria: ACMG Guidelines, 2015. Collection method: clinical testing. Allele origin: germline. Inheritance: Autosomal dominant inheritance. Observed: 1 variant allele, 1 heterozygote.
Comment: This study involves interpretation of variants in research participants for the purpose of population health screening. Participant phenotype was not available at the time of variant classification. Additional details can be found in publication PMID: 35346344, PMCID: PMC8962531

NM_001035.3(RYR2):c.4721A>G (p.Glu1574Gly)

Gene: RYR2 (ryanodine receptor 2; plus strand). Cytogenetic location: 1q43.
Variant type: single nucleotide variant.
Coding change: c.4721A>G on transcript NM_001035.3 (MANE Select); coding-DNA position 4721, A replaced by G.
Protein change: p.Glu1574Gly; replaces glutamic acid 1574 with glycine.
Molecular consequence: missense variant.
Genome position (GRCh38, 1-based): chr1:237,610,799, A>G. VCF-style: chr1-237610799-A-G. GRCh37 (hg19) VCF-style: chr1-237774099-A-G.
Other names: short protein forms E1574G.
Identifiers: ClinVar variation 3385730 (VCV003385730.2).